The following is an entry in ClinVar:

ClinVar aggregate classification (germline): Likely benign. Review status: criteria provided, multiple submitters, no conflicts (2 of 4 stars). 2 submissions from 2 submitters: Likely benign (2). Last evaluated 2017-04-27.

Conditions:
Isolated microphthalmia 3 (MCOPS16). Also called: MICROPHTHALMIA, SYNDROMIC 16. Identifiers: Orphanet 2542, MedGen C5774181, MONDO:0012604, OMIM 611038.

Allele frequency attached by ClinVar (database versions not stated): gnomAD exomes 0.20732; 1000 Genomes Project 0.28355; 1000 Genomes Project 30x 0.28857; gnomAD 0.30618 and 0.31197; TOPMed 0.31258.

Submissions (2):

Illumina Laboratory Services, Illumina
Classification: Likely benign for Isolated microphthalmia 3. Last evaluated: 2017-04-27. Review status: criteria provided, single submitter. Criteria: ICSL Variant Classification Criteria 13 December 2019. Collection method: clinical testing. Allele origin: germline.
Comment: This variant was observed as part of a predisposition screen in an ostensibly healthy population. A literature search was performed for the gene, cDNA change, and amino acid change (where applicable). No publications were found based on this search. Allele frequency data from public databases allowed determination this variant is unlikely to cause disease. Therefore, this variant is classified as likely benign.

Breakthrough Genomics
Classification: Likely benign. Review status: criteria provided, single submitter. Criteria: ACMG Guidelines, 2015. Collection method: not provided. Allele origin: germline. Inheritance: Autosomal recessive inheritance. Affected: yes.

NM_013435.3(RAX):c.*917C>T

Gene: RAX (retina and anterior neural fold homeobox; minus strand). Cytogenetic location: 18q21.32.
Variant type: single nucleotide variant.
Coding change: c.*917C>T on transcript NM_013435.3 (MANE Select); 917 bases downstream of the stop codon, C replaced by T.
Molecular consequence: 3 prime UTR variant.
Genome position (GRCh38, 1-based): chr18:59,268,087, G>A on the plus strand (C>T on the coding strand, the complement: RAX is on the minus strand). VCF-style: chr18-59268087-G-A. GRCh37 (hg19) VCF-style: chr18-56935319-G-A.
Identifiers: ClinVar variation 327522 (VCV000327522.6), dbSNP rs58797899, ClinGen allele CA10651976.